The following is an entry in ClinVar:

NM_001330260.2(SCN8A):c.5769T>C (p.Asn1923=)

Gene: SCN8A (sodium voltage-gated channel alpha subunit 8; plus strand). Cytogenetic location: 12q13.13.
Variant type: single nucleotide variant.
Coding change: c.5769T>C on transcript NM_001330260.2 (MANE Select); coding-DNA position 5769, T replaced by C.
Protein change: p.Asn1923=; no amino-acid change (asparagine 1923 retained).
Molecular consequence: synonymous variant.
Genome position (GRCh38, 1-based): chr12:51,807,255, T>C. VCF-style: chr12-51807255-T-C. GRCh37 (hg19) VCF-style: chr12-52201039-T-C.
Other names: c.5646T>C, p.Asn1882= (NM_001177984.3, NM_001369788.1); c.5769T>C, p.Asn1923= (NM_014191.4).
Identifiers: ClinVar variation 2570832 (VCV002570832.27), dbSNP rs2540336294, ClinGen allele CA480062237.

ClinVar aggregate classification (germline): Likely benign (1 of 4 stars; one submission).

Submission:

CeGaT Center for Human Genetics Tuebingen
Classification: Likely benign. Last evaluated: 2023-04-01. Review status: criteria provided, single submitter. Criteria: CeGaT Center For Human Genetics Tuebingen Variant Classification Criteria Version 2. Collection method: clinical testing. Allele origin: germline. Affected: yes. Observed: 1 variant allele.
Comment: SCN8A: PM2:Supporting, BP4, BP7